The following is an entry in ClinVar:

NM_001267550.2(TTN):c.64885G>A (p.Glu21629Lys)

Genes: TTN (titin; minus strand), TTN-AS1 (TTN antisense RNA 1; plus strand). Cytogenetic location: 2q31.2.
Variant type: single nucleotide variant.
Coding change: c.64885G>A on transcript NM_001267550.2 (MANE Select); coding-DNA position 64885, G replaced by A.
Protein change: p.Glu21629Lys; replaces glutamic acid 21629 with lysine.
Molecular consequence: missense variant. On other transcripts: non-coding transcript variant (1).
Genome position (GRCh38, 1-based): chr2:178,584,756, C>T on the plus strand (G>A on the coding strand, the complement: TTN is on the minus strand). VCF-style: chr2-178584756-C-T. GRCh37 (hg19) VCF-style: chr2-179449483-C-T.
Other names: c.59962G>A, p.Glu19988Lys (NM_001256850.1); c.37690G>A, p.Glu12564Lys (NM_003319.4); c.57181G>A, p.Glu19061Lys (NM_133378.4); c.38065G>A, p.Glu12689Lys (NM_133432.3); c.38266G>A, p.Glu12756Lys (NM_133437.4); short protein forms E19988K, E21629K, E12564K, E12689K, E19061K, E12756K.
Identifiers: ClinVar variation 626666 (VCV000626666.7), dbSNP rs746364765, ClinGen allele CA1991824.
Genomic context (GRCh38, chr2:178,584,756, plus strand): 5'-GAGATGTGAGAGGCTCTGAAATGCCAAATCGGTTTTCAGCACGGACCCGGAAGATGTACT[C>T]CTGGCCTGGGATCAGCTTTCCAACCCTGCAGGAAGTTTTTGTGACTGAAGCTAGAGCCGT-3'
Protein context (NP_001254479.2, residues 21619-21639): CRVGKLIPGQ[Glu21629Lys]YIFRVRAENR

ClinVar aggregate classification (germline): Conflicting classifications of pathogenicity. Review status: criteria provided, conflicting classifications (1 of 4 stars). 4 submissions from 4 submitters: Uncertain significance (3); Likely benign (1). Last evaluated 2025-10-01.

Conditions:
Cardiomyopathy (CMYO). Also called: Cardiomyopathies. Identifiers: Orphanet 167848, MedGen C0878544, MONDO:0004994, HP:0001638. Inheritance: Various modes of inheritance.
TTN-related disorder. Also called: TTN-related condition; TTN-related disease; TTN-related disorders.

Allele frequency attached by ClinVar (database versions not stated): gnomAD exomes 0.00002 and 0.00006; ExAC 0.00003; gnomAD 0.00003 and 0.00004; TOPMed 0.00004.
gnomAD v4.1: 29 of 1,613,360 alleles (0.0018%); highest among the groups gnomAD compares: Admixed American, 0.042%; no homozygotes.

Submissions (4):

PreventionGenetics, part of Exact Sciences
Classification: Uncertain significance for TTN-related condition. Last evaluated: 2025-10-01. Review status: criteria provided, single submitter. Criteria: ACMG Guidelines, 2015. Collection method: clinical testing. Allele origin: germline.
Comment: The TTN c.64885G>A variant is predicted to result in the amino acid substitution p.Glu21629Lys. To our knowledge, this variant has not been reported in the literature. This variant is reported in 0.048% of alleles in individuals of Latino descent in gnomAD. At this time, the clinical significance of this variant is uncertain due to the absence of conclusive functional and genetic evidence.

Revvity Omics, Revvity
Classification: Uncertain significance. Last evaluated: 2021-11-04. Review status: criteria provided, single submitter. Criteria: ACMG Guidelines, 2015. Collection method: clinical testing. Allele origin: germline.

Blueprint Genetics
Classification: Likely benign. Last evaluated: 2021-07-29. Review status: criteria provided, single submitter. Criteria: ACMG Guidelines, 2015. Collection method: clinical testing. Allele origin: germline.

CHEO Genetics Diagnostic Laboratory, Children's Hospital of Eastern Ontario
Classification: Uncertain significance for Cardiomyopathy. Last evaluated: 2017-08-22. Review status: criteria provided, single submitter. Criteria: ACMG Guidelines, 2015. Collection method: clinical testing. Allele origin: germline. Study: Canadian Open Genetics Repository.